The following is an entry in ClinVar:

ClinVar aggregate classification (germline): Uncertain significance (1 of 4 stars; one submission).

Submission:

CeGaT Center for Human Genetics Tuebingen
Classification: Uncertain significance. Last evaluated: 2026-03-01. Review status: criteria provided, single submitter. Criteria: CeGaT Center For Human Genetics Tuebingen Variant Classification Criteria Version 2. Collection method: clinical testing. Allele origin: germline. Affected: yes. Observed: 1 variant allele.
Comment: PRKD1: PM2:Supporting

NM_002742.3(PRKD1):c.76G>A (p.Ala26Thr)

Gene: PRKD1 (protein kinase D1; minus strand). Cytogenetic location: 14q12.
Variant type: single nucleotide variant.
Coding change: c.76G>A on transcript NM_002742.3 (MANE Select); coding-DNA position 76, G replaced by A.
Protein change: p.Ala26Thr; replaces alanine 26 with threonine.
Molecular consequence: missense variant.
Genome position (GRCh38, 1-based): chr14:29,927,437, C>T on the plus strand (G>A on the coding strand, the complement: PRKD1 is on the minus strand). VCF-style: chr14-29927437-C-T. GRCh37 (hg19) VCF-style: chr14-30396643-C-T.
Other names: c.76G>A, p.Ala26Thr (NM_001330069.2); short protein forms A26T.
Identifiers: ClinVar variation 4823733 (VCV004823733.4).